The following is an entry in ClinVar:

ClinVar aggregate classification (germline): Uncertain significance (1 of 4 stars; one submission).

Submission:

GeneDx
Classification: Uncertain significance. Last evaluated: 2024-08-17. Review status: criteria provided, single submitter. Criteria: GeneDx Variant Classification Process June 2021. Collection method: clinical testing. Allele origin: germline. Affected: yes.
Comment: Not observed at significant frequency in large population cohorts (gnomAD); In silico analysis supports that this missense variant has a deleterious effect on protein structure/function; Has not been previously published as pathogenic or benign to our knowledge

NM_015178.3(RHOBTB2):c.200A>G (p.Glu67Gly)

Gene: RHOBTB2 (Rho related BTB domain containing 2; plus strand). Cytogenetic location: 8p21.3.
Variant type: single nucleotide variant.
Coding change: c.200A>G on transcript NM_015178.3 (MANE Select); coding-DNA position 200, A replaced by G.
Protein change: p.Glu67Gly; replaces glutamic acid 67 with glycine.
Molecular consequence: missense variant.
Genome position (GRCh38, 1-based): chr8:23,005,379, A>G. VCF-style: chr8-23005379-A-G. GRCh37 (hg19) VCF-style: chr8-22862892-A-G.
Other names: c.266A>G, p.Glu89Gly (NM_001160036.2); c.221A>G, p.Glu74Gly (NM_001160037.2); c.200A>G, p.Glu67Gly (NM_001374791.1); short protein forms E67G, E74G, E89G.
Identifiers: ClinVar variation 3764292 (VCV003764292.1).
Genomic context (GRCh38, chr8:23,005,379, plus strand): 5'-AGAGGTCCCCAAAACTGCTGCCTTCGAGTCCCACTCTTCCTCCCCGTCCCCAGGTGCTGG[A>G]ACGCTCCCGAGACGTGGTAGATGATGTCAGCGTCTCTCTGCGCCTCTGGGACACCTTTGG-3'
Protein context (NP_055993.2, residues 57-77): DQYRVCQEVL[Glu67Gly]RSRDVVDDVS